The following is an entry in ClinVar:

ClinVar aggregate classification (germline): Likely benign. Review status: criteria provided, multiple submitters, no conflicts (2 of 4 stars). 4 submissions from 4 submitters: Likely benign (4). Last evaluated 2025-06-11.

Allele frequency attached by ClinVar (database versions not stated): gnomAD exomes 0.00001 and 0.00002; ExAC 0.00002; gnomAD 0.00005; ESP Exome Variant Server 0.00008.
gnomAD v4.1: 27 of 1,610,368 alleles (0.0017%); highest among the groups gnomAD compares: Middle Eastern, 0.016%; no homozygotes.

Submissions (4):

Labcorp Genetics (formerly Invitae), Labcorp
Classification: Likely benign. Last evaluated: 2025-06-11. Review status: criteria provided, single submitter. Criteria: Invitae Variant Classification Sherloc (09022015). Collection method: clinical testing. Allele origin: germline.

CeGaT Center for Human Genetics Tuebingen
Classification: Likely benign. Last evaluated: 2024-05-01. Review status: criteria provided, single submitter. Criteria: CeGaT Center For Human Genetics Tuebingen Variant Classification Criteria Version 2. Collection method: clinical testing. Allele origin: germline. Affected: yes. Observed: 3 variant alleles.
Comment: FOXP1: BP4

Blueprint Genetics
Classification: Likely benign. Last evaluated: 2024-04-04. Review status: criteria provided, single submitter. Criteria: ACMG Guidelines, 2015. Collection method: clinical testing. Allele origin: germline.

Genetic Services Laboratory, University of Chicago
Classification: Likely benign. Last evaluated: 2016-05-05. Review status: criteria provided, single submitter. Criteria: ACMG Guidelines, 2015. Collection method: clinical testing. Allele origin: germline. Affected: no.

NM_001349338.3(FOXP1):c.63C>T (p.Gly21=)

Gene: FOXP1 (forkhead box P1; minus strand). Cytogenetic location: 3p13.
Variant type: single nucleotide variant.
Coding change: c.63C>T on transcript NM_001349338.3 (MANE Select); coding-DNA position 63, C replaced by T.
Protein change: p.Gly21=; no amino-acid change (glycine 21 retained).
Molecular consequence: synonymous variant. On other transcripts: non-coding transcript variant (2).
Genome position (GRCh38, 1-based): chr3:71,198,319, G>A on the plus strand (C>T on the coding strand, the complement: FOXP1 is on the minus strand). VCF-style: chr3-71198319-G-A. GRCh37 (hg19) VCF-style: chr3-71247470-G-A.
Other names: c.63C>T, p.Gly21= (NM_001012505.2, NM_001244808.3, NM_001244810.2 and 6 more transcripts).
Identifiers: ClinVar variation 435247 (VCV000435247.46), dbSNP rs376702675, ClinGen allele CA2491470.
Genomic context (GRCh38, chr3:71,198,319, plus strand): 5'-CGTCTCTCCGTTGGACCGCCCCTCCCGAAGACCGCCGCACTCTAGTAAGTGGTTGCTGCC[G>A]CCCGACCCATTCTGGATGGCTGAACCGTTACTTTTTGTCTCAGTCCCAGATTCTTGCATC-3'
Protein context (NP_001336267.1, residues 11-31): SNGSAIQNGS[Gly21=]GSNHLLECGG